The following is an entry in ClinVar:

NM_004006.3(DMD):c.1544_1545dup (p.Val516fs)

Gene: DMD (dystrophin; minus strand). Cytogenetic location: Xp21.1.
Variant type: Duplication.
Coding change: c.1544_1545dup on transcript NM_004006.3 (MANE Select); coding-DNA positions 1544 to 1545, 2 bases duplicated (TG; older notation c.1544_1545dupTG).
Protein change: p.Val516fs; shifts the reading frame from valine 516.
Molecular consequence: frameshift variant.
Genome position (GRCh38, 1-based): chrX:32,595,814-32,595,815, CA duplicated on the plus strand (TG on the coding strand, the reverse complement: DMD is on the minus strand); duplicating any 2 consecutive bases within chrX:32,595,814-32,595,816 gives the same sequence; the c. name uses the placement nearest the transcript's 3' end. VCF-style (leftmost placement, unchanged base first): chrX-32595813-C-CCA. GRCh37 (hg19) VCF-style: chrX-32613930-C-CCA.
Other names: c.1544_1545dup (NM_004006.2); c.1520_1521dup, p.Val508fs (NM_000109.4); c.1532_1533dup, p.Val512fs (NM_004009.3); c.1175_1176dup, p.Val393fs (NM_004010.3); c.1544_1545dupTG (NM_004006.3); short protein forms V393fs, V508fs, V512fs, V516fs.
Identifiers: ClinVar variation 3768036 (VCV003768036.2).

ClinVar aggregate classification (germline): Pathogenic/Likely pathogenic. Review status: criteria provided, multiple submitters, no conflicts (2 of 4 stars). 2 submissions from 2 submitters: Pathogenic (1); Likely pathogenic (1). Last evaluated 2024-12-16.

Conditions:
Neuromuscular disease caused by qualitative or quantitative defects of dystrophin. Also called: Qualitative or quantitative defects of dystrophin. Identifiers: Orphanet 207085, MedGen C5679787, MONDO:0016147.
Becker muscular dystrophy, Cardiomyopathy, Duchenne muscular dystrophy, Dystrophin deficiency.

Submissions (2):

Women's Health and Genetics/Laboratory Corporation of America, LabCorp
Classification: Pathogenic for Neuromuscular disease caused by qualitative or quantitative defects of dystrophin. Last evaluated: 2024-12-16. Review status: criteria provided, single submitter. Criteria: LabCorp Variant Classification Summary - May 2015. Collection method: clinical testing. Allele origin: germline.
Comment: Variant summary: DMD c.1544_1545dupTG (p.Val516TrpfsX2) results in a premature termination codon, predicted to cause a truncation of the encoded protein or absence of the protein due to nonsense mediated decay, which are commonly known mechanisms for disease. The variant was absent in 183180 control chromosomes. To our knowledge, no occurrence of c.1544_1545dupTG in individuals affected with Dystrophinopathies and no experimental evidence demonstrating its impact on protein function have been reported. No submitters have cited clinical-significance assessments for this variant to ClinVar. Based on the evidence outlined above, the variant was classified as pathogenic.

Natera, Inc.
Classification: Likely pathogenic for Becker muscular dystrophy, Cardiomyopathy, Duchenne muscular dystrophy, Dystrophin deficiency. Last evaluated: 2024-11-14. Review status: criteria provided, single submitter. Criteria: Natera Variant Classification Schema (03/2026). Collection method: clinical testing. Allele origin: germline.
Comment: The c.1544_1545dup variant in DMD is a frameshift variant predicted to shift the reading frame beginning at codon 516 and leads to a stop codon 2 codons downstream. This variant is expected to result in nonsense mediated decay, truncation, or a dysfunctional protein product. This variant is rare in the general population with a frequency below the threshold expected for the associated phenotype(s). Given the available evidence, this variant is classified as Likely Pathogenic.